The following is an entry in ClinVar:

ClinVar aggregate classification (germline): Likely benign (1 of 4 stars; one submission).

Allele frequency attached by ClinVar (database versions not stated): gnomAD exomes below 0.00001 and 0.00001.
gnomAD v4.1: 4 of 1,613,018 alleles (0.00025%); highest among the groups gnomAD compares: South Asian, 0.0022%; no homozygotes.

Submission:

Genetic Services Laboratory, University of Chicago
Classification: Likely benign. Last evaluated: 2013-12-06. Review status: criteria provided, single submitter. Criteria: ACMG Guidelines, 2007. Collection method: clinical testing. Allele origin: germline. Inheritance: Autosomal recessive inheritance.
Comment: Likely benign based on allele frequency in 1000 Genomes Project or ESP global frequency and its presence in a patient with a rare or unrelated disease phenotype. NOT Sanger confirmed

NM_017668.3(NDE1):c.726G>A (p.Gly242=)

Gene: NDE1 (nudE neurodevelopment protein 1; plus strand). Cytogenetic location: 16p13.11.
Variant type: single nucleotide variant.
Coding change: c.726G>A on transcript NM_017668.3 (MANE Select); coding-DNA position 726, G replaced by A.
Protein change: p.Gly242=; no amino-acid change (glycine 242 retained).
Molecular consequence: synonymous variant.
Genome position (GRCh38, 1-based): chr16:15,694,187, G>A. VCF-style: chr16-15694187-G-A. GRCh37 (hg19) VCF-style: chr16-15788044-G-A.
Other names: c.726G>A, p.Gly242= (NM_001143979.2).
Identifiers: ClinVar variation 159016 (VCV000159016.6), dbSNP rs587783869, ClinGen allele CA172617.